The following is an entry in ClinVar:

NM_000059.4(BRCA2):c.1449_1451delinsTTAC (p.Val484fs)

Gene: BRCA2 (BRCA2 DNA repair associated; plus strand). Cytogenetic location: 13q13.1.
Variant type: Indel.
Coding change: c.1449_1451delinsTTAC on transcript NM_000059.4 (MANE Select); coding-DNA positions 1449 to 1451, AGT replaced by TTAC.
Protein change: p.Val484fs; shifts the reading frame from valine 484.
Molecular consequence: frameshift variant.
Genome position (GRCh38, 1-based): chr13:32,332,927-32,332,929, AGT replaced by TTAC. VCF-style: chr13-32332927-AGT-TTAC. GRCh37 (hg19) VCF-style: chr13-32907064-AGT-TTAC.
Other names: c.1449_1451delAGTinsTTAC (NM_000059.3); short protein forms V484fs.
Identifiers: ClinVar variation 51127 (VCV000051127.5), dbSNP rs397507589, ClinGen allele CA012094.

ClinVar aggregate classification (germline): Pathogenic. Review status: reviewed by expert panel (3 of 4 stars). 4 submissions from 4 submitters: Pathogenic (1). 3 of the submissions do not count toward it. Last evaluated 2017-12-15.

Conditions:
Hereditary breast ovarian cancer syndrome. Also called: Hereditary breast and ovarian cancer syndrome; Hereditary breast and ovarian cancer; Hereditary breast and ovarian cancer syndrome (HBOC); Breast and ovarian cancer; Hereditary breast and/or ovarian cancer syndrome; BRCA1- and BRCA2-Associated Hereditary Breast and Ovarian Cancer. Identifiers: Orphanet 145, MedGen C0677776, MeSH D061325, MONDO:0003582. Disease mechanism: loss of function.
Breast-ovarian cancer, familial, susceptibility to, 2 (BROVCA2). Also called: BRCA2 Hereditary Breast and Ovarian Cancer. Identifiers: Orphanet 145, MedGen C2675520, MONDO:0012933, OMIM 612555. Disease mechanism: loss of function.
Familial cancer of breast. Also called: BREAST CANCER, FAMILIAL; Hereditary breast cancer; hereditary breast carcinoma. Identifiers: Orphanet 227535, MedGen C0346153, MONDO:0016419, OMIM 114480. Disease mechanism: loss of function.
Hereditary cancer-predisposing syndrome. Also called: Neoplastic Syndromes, Hereditary; Tumor predisposition; Hereditary Cancer Syndrome; Hereditary neoplastic syndrome. Identifiers: Orphanet 140162, MedGen C0027672, MeSH D009386, MONDO:0015356.

Submissions (4):

Evidence-based Network for the Interpretation of Germline Mutant Alleles (ENIGMA)
Classification: Pathogenic for Breast-ovarian cancer, familial, susceptibility to, 2. Last evaluated: 2017-12-15. Review status: reviewed by expert panel. Criteria: ENIGMA BRCA1/2 Classification Criteria (2017-06-29). Collection method: curation. Allele origin: germline. Study: ENIGMA.
Comment: Variant allele predicted to encode a truncated non-functional protein.

Labcorp Genetics (formerly Invitae), Labcorp
Classification: Pathogenic for Hereditary breast ovarian cancer syndrome. Last evaluated: 2025-09-20. Review status: criteria provided, single submitter. Criteria: Invitae Variant Classification Sherloc (09022015). Collection method: clinical testing. Allele origin: germline. Not counted in ClinVar's aggregate classification.
Comment: This sequence change creates a premature translational stop signal (p.Val484Tyrfs*30) in the BRCA2 gene. It is expected to result in an absent or disrupted protein product. Loss-of-function variants in BRCA2 are known to be pathogenic (PMID: 20104584). Information on the frequency of this variant in the gnomAD database is not available, as this variant may be reported differently in the database. This premature translational stop signal has been observed in individual(s) with hereditary breast and ovarian cancer (PMID: 18528753). ClinVar contains an entry for this variant (Variation ID: 51127). For these reasons, this variant has been classified as Pathogenic.

Ambry Genetics
Classification: Pathogenic for Hereditary cancer-predisposing syndrome. Last evaluated: 2023-10-25. Review status: criteria provided, single submitter. Criteria: Ambry Variant Classification Scheme 2023. Collection method: clinical testing. Allele origin: germline. Not counted in ClinVar's aggregate classification.
Comment: The c.1449_1451delAGTinsTTAC pathogenic mutation, located in coding exon 9 of the BRCA2 gene, results from the deletion of 3 nucleotides and insertion of 4 nucleotides causing a translational frameshift with a predicted alternate stop codon (p.V484Yfs*30). This variant is considered to be rare based on population cohorts in the Genome Aggregation Database (gnomAD). This alteration is expected to result in loss of function by premature protein truncation or nonsense-mediated mRNA decay. As such, this alteration is interpreted as a disease-causing mutation.

ClinVar Staff, National Center for Biotechnology Information (NCBI)
No classification provided. Condition: Familial cancer of breast. Review status: no classification provided. Collection method: literature only. Allele origin: germline. Affected: yes. Not counted in ClinVar's aggregate classification.

Literature cited by the submitters: PubMed 20104584 (cited by Labcorp Genetics (formerly Invitae), Labcorp); PubMed 18528753 (cited by 3 submitters).